The following is an entry in ClinVar:

NM_003331.5(TYK2):c.553G>A (p.Gly185Ser)

Gene: TYK2 (tyrosine kinase 2; minus strand). Cytogenetic location: 19p13.2.
Variant type: single nucleotide variant.
Coding change: c.553G>A on transcript NM_003331.5 (MANE Select); coding-DNA position 553, G replaced by A.
Protein change: p.Gly185Ser; replaces glycine 185 with serine.
Molecular consequence: missense variant.
Genome position (GRCh38, 1-based): chr19:10,366,493, C>T on the plus strand (G>A on the coding strand, the complement: TYK2 is on the minus strand). VCF-style: chr19-10366493-C-T. GRCh37 (hg19) VCF-style: chr19-10477169-C-T.
Other names: c.553G>A, p.Gly185Ser (NM_001385197.1, NM_001385198.1, NM_001385199.1 and 9 more transcripts); short protein forms G185S.
Identifiers: ClinVar variation 2068668 (VCV002068668.4), dbSNP rs2041672433, ClinGen allele CA404017990.

ClinVar aggregate classification (germline): Uncertain significance (1 of 4 stars; one submission).

Conditions:
Immunodeficiency 35 (IMD35). Also called: TYK2 DEFICIENCY; HIES WITH ATYPICAL MYCOBACTERIOSIS, AUTOSOMAL RECESSIVE; HYPER-IgE SYNDROME WITH ATYPICAL MYCOBACTERIOSIS, AUTOSOMAL RECESSIVE; Susceptibility to infection due to TYK2 deficiency. Identifiers: Orphanet 331226, MedGen C1969086, MONDO:0012682, OMIM 611521.

Allele frequency attached by ClinVar (database versions not stated): gnomAD exomes below 0.00001.

Submission:

Labcorp Genetics (formerly Invitae), Labcorp
Classification: Uncertain significance for Immunodeficiency 35. Last evaluated: 2022-04-28. Review status: criteria provided, single submitter. Criteria: Invitae Variant Classification Sherloc (09022015). Collection method: clinical testing. Allele origin: germline.
Comment: This sequence change replaces glycine, which is neutral and non-polar, with serine, which is neutral and polar, at codon 185 of the TYK2 protein (p.Gly185Ser). This variant is not present in population databases (gnomAD no frequency). This variant has not been reported in the literature in individuals affected with TYK2-related conditions. Algorithms developed to predict the effect of missense changes on protein structure and function are either unavailable or do not agree on the potential impact of this missense change (SIFT: "Not Available"; PolyPhen-2: "Probably Damaging"; Align-GVGD: "Not Available"). In summary, the available evidence is currently insufficient to determine the role of this variant in disease. Therefore, it has been classified as a Variant of Uncertain Significance.